The following is an entry in ClinVar:

NM_004369.4(COL6A3):c.1264G>A (p.Val422Met)

Gene: COL6A3 (collagen type VI alpha 3 chain; minus strand). Cytogenetic location: 2q37.3.
Variant type: single nucleotide variant.
Coding change: c.1264G>A on transcript NM_004369.4 (MANE Select); coding-DNA position 1264, G replaced by A.
Protein change: p.Val422Met; replaces valine 422 with methionine.
Molecular consequence: missense variant. On other transcripts: intron variant (2).
Genome position (GRCh38, 1-based): chr2:237,387,630, C>T on the plus strand (G>A on the coding strand, the complement: COL6A3 is on the minus strand). VCF-style: chr2-237387630-C-T. GRCh37 (hg19) VCF-style: chr2-238296273-C-T.
Other names: c.646G>A, p.Val216Met (NM_057165.5, NM_057167.4); c.92-6131G>A (NM_057166.5, NM_057164.5); short protein forms V216M.
Identifiers: ClinVar variation 94904 (VCV000094904.69), dbSNP rs114511558, ClinGen allele CA147906.

ClinVar aggregate classification (germline): Conflicting classifications of pathogenicity. Review status: criteria provided, conflicting classifications (1 of 4 stars). 6 submissions from 6 submitters: Uncertain significance (1); Benign (3); Likely benign (1). 1 of the submissions does not count toward it. Last evaluated 2025-11-27.

Conditions:
COL6A3-related disorder. Also called: COL6A3-related condition; COL6A3-related disorders.
Dystonia 27 (DYT27). Identifiers: Orphanet 464440, MedGen C4225336, MONDO:0014627, OMIM 616411.
Collagen 6-related myopathy. Identifiers: MedGen CN117976, MONDO:0100225.
Bethlem myopathy 1A. Also called: MYOPATHY, BENIGN CONGENITAL, WITH CONTRACTURES; Bethlem myopathy 1; Bethlem Muscular Dystrophy. Identifiers: Orphanet 610, MedGen CN029274, MONDO:0024530, OMIM 158810.

Allele frequency attached by ClinVar (database versions not stated): ExAC 0.00083; 1000 Genomes Project 30x 0.00156; gnomAD 0.00015 and 0.00024; TOPMed 0.00046; 1000 Genomes Project 0.00200; gnomAD exomes 0.00070.
gnomAD v4.1: 435 of 1,613,700 alleles (0.027%); highest among the groups gnomAD compares: East Asian, 0.86%; no homozygotes.

Submissions (6):

Labcorp Genetics (formerly Invitae), Labcorp
Classification: Benign for Bethlem myopathy 1A. Last evaluated: 2025-11-27. Review status: criteria provided, single submitter. Criteria: Invitae Variant Classification Sherloc (09022015). Collection method: clinical testing. Allele origin: germline.

Department of Neurology, Xijing Hospital, Fourth Military Medical University
Classification: Uncertain significance for Dystonia 27. Last evaluated: 2022-03-01. Review status: criteria provided, single submitter. Criteria: ACMG Guidelines, 2015. Collection method: clinical testing. Allele origin: germline.

Illumina Laboratory Services, Illumina
Classification: Benign for Collagen VI-related myopathy. Last evaluated: 2018-01-13. Review status: criteria provided, single submitter. Criteria: ICSL Variant Classification Criteria 13 December 2019. Collection method: clinical testing. Allele origin: germline.
Comment: This variant was observed in the ICSL laboratory as part of a predisposition screen in an ostensibly healthy population. It had not been previously curated by ICSL or reported in the Human Gene Mutation Database (HGMD: prior to June 1st, 2018), and was therefore a candidate for classification through an automated scoring system. Utilizing variant allele frequency, disease prevalence and penetrance estimates, and inheritance mode, an automated score was calculated to assess if this variant is too frequent to cause the disease. Based on the score and internal cut-off values, a variant classified as benign is not then subjected to further curation. The score for this variant resulted in a classification of benign for this disease.

GeneDx
Classification: Likely benign. Last evaluated: 2017-12-26. Review status: criteria provided, single submitter. Criteria: GeneDx Variant Classification (06012015). Collection method: clinical testing. Allele origin: germline. Affected: yes.
Comment: This variant is considered likely benign or benign based on one or more of the following criteria: it is a conservative change, it occurs at a poorly conserved position in the protein, it is predicted to be benign by multiple in silico algorithms, and/or has population frequency not consistent with disease.

Eurofins Ntd Llc (ga)
Classification: Benign. Last evaluated: 2012-11-05. Review status: criteria provided, single submitter. Criteria: EGL Classification Definitions 2015. Collection method: clinical testing. Allele origin: germline. Observed: 1 variant allele, 1 heterozygote.

PreventionGenetics, part of Exact Sciences
Classification: Benign for COL6A3-related condition. Last evaluated: 2024-08-14. Review status: no assertion criteria provided. Collection method: clinical testing. Allele origin: germline. Not counted in ClinVar's aggregate classification.
Comment: This variant is classified as benign based on ACMG/AMP sequence variant interpretation guidelines (Richards et al. 2015 PMID: 25741868, with internal and published modifications).